The following is an entry in ClinVar:

ClinVar aggregate classification (germline): Uncertain significance (1 of 4 stars; one submission).

Conditions:
Kabuki syndrome 2 (KABUK2). Also called: KDM6A-Related Kabuki Syndrome. Identifiers: Orphanet 2322, MedGen C3275495, MONDO:0010465, OMIM 300867.

Submission:

Labcorp Genetics (formerly Invitae), Labcorp
Classification: Uncertain significance for Kabuki syndrome 2. Last evaluated: 2025-04-29. Review status: criteria provided, single submitter. Criteria: Invitae Variant Classification Sherloc (09022015). Collection method: clinical testing. Allele origin: germline.
Comment: This sequence change replaces isoleucine, which is neutral and non-polar, with valine, which is neutral and non-polar, at codon 724 of the KDM6A protein (p.Ile724Val). This variant is not present in population databases (gnomAD no frequency). This variant has not been reported in the literature in individuals affected with KDM6A-related conditions. Invitae Evidence Modeling of protein sequence and biophysical properties (such as structural, functional, and spatial information, amino acid conservation, physicochemical variation, residue mobility, and thermodynamic stability) indicates that this missense variant is not expected to disrupt KDM6A protein function with a negative predictive value of 80%. In summary, the available evidence is currently insufficient to determine the role of this variant in disease. Therefore, it has been classified as a Variant of Uncertain Significance.

NM_001291415.2(KDM6A):c.2326A>G (p.Ile776Val)

Gene: KDM6A (lysine demethylase 6A; plus strand). Cytogenetic location: Xp11.3.
Variant type: single nucleotide variant.
Coding change: c.2326A>G on transcript NM_001291415.2 (MANE Select); coding-DNA position 2326, A replaced by G.
Protein change: p.Ile776Val; replaces isoleucine 776 with valine.
Molecular consequence: missense variant. On other transcripts: non-coding transcript variant (1).
Genome position (GRCh38, 1-based): chrX:45,069,825, A>G. VCF-style: chrX-45069825-A-G. GRCh37 (hg19) VCF-style: chrX-44929070-A-G.
Other names: c.2191A>G, p.Ile731Val (NM_001291416.2, NM_001419811.1); c.2035A>G, p.Ile679Val (NM_001291417.2); c.1933A>G, p.Ile645Val (NM_001291418.2, NM_001419815.1); c.1282A>G, p.Ile428Val (NM_001291421.2); c.2068A>G, p.Ile690Val (NM_001410742.1, NM_001419814.1); c.2326A>G, p.Ile776Val (NM_001419809.1); c.2224A>G, p.Ile742Val (NM_001419810.1, NM_001419813.1); c.2170A>G, p.Ile724Val (NM_001419812.1, NM_021140.4); short protein forms I679V, I724V, I731V, I428V, I776V, I645V, I690V, I742V.
Identifiers: ClinVar variation 4744229 (VCV004744229.1).